The following is an entry in ClinVar:

ClinVar aggregate classification (germline): Pathogenic. Review status: criteria provided, multiple submitters, no conflicts (2 of 4 stars). 2 submissions from 2 submitters: Pathogenic (2). Last evaluated 2025-10-29.

Conditions:
Neurofibromatosis, type 1 (NF1). Also called: Peripheral type neurofibromatosis; VON RECKLINGHAUSEN DISEASE; NEUROFIBROMATOSIS, TYPE I, SOMATIC; Neurofibromatosis, type I. Identifiers: Orphanet 636, MedGen C0027831, MONDO:0018975, OMIM 162200. Disease mechanism: loss of function.
Cardiovascular phenotype. Identifiers: MedGen CN230736.
Hereditary cancer-predisposing syndrome. Also called: Neoplastic Syndromes, Hereditary; Tumor predisposition; Hereditary neoplastic syndrome; Hereditary Cancer Syndrome. Identifiers: Orphanet 140162, MedGen C0027672, MeSH D009386, MONDO:0015356.

Allele frequency attached by ClinVar (database versions not stated): gnomAD exomes below 0.00001.
gnomAD v4.1: 1 of 1,611,536 alleles (0.000062%); highest among the groups gnomAD compares: Non-Finnish European, 0.000085%; no homozygotes.

Submissions (2):

Labcorp Genetics (formerly Invitae), Labcorp
Classification: Pathogenic for Neurofibromatosis, type 1. Last evaluated: 2025-10-29. Review status: criteria provided, single submitter. Criteria: Invitae Variant Classification Sherloc (09022015). Collection method: clinical testing. Allele origin: germline.
Comment: This sequence change creates a premature translational stop signal (p.Gln1972*) in the NF1 gene. It is expected to result in an absent or disrupted protein product. Loss-of-function variants in NF1 are known to be pathogenic (PMID: 10712197, 23913538). This variant is not present in population databases (gnomAD no frequency). This premature translational stop signal has been observed in individual(s) with neurofibromatosis type 1 (PMID: 35240321). ClinVar contains an entry for this variant (Variation ID: 1750463). Algorithms developed to predict the effect of sequence changes on RNA splicing suggest that this variant may disrupt the consensus splice site. For these reasons, this variant has been classified as Pathogenic.

Ambry Genetics
Classification: Pathogenic for Cardiovascular phenotype; Hereditary cancer-predisposing syndrome. Last evaluated: 2022-08-25. Review status: criteria provided, single submitter. Criteria: Ambry Variant Classification Scheme 2023. Collection method: clinical testing. Allele origin: germline.
Comment: The p.Q1972* pathogenic mutation (also known as c.5914C>T), located in coding exon 39 of the NF1 gene, results from a C to T substitution at nucleotide position 5914. This changes the amino acid from a glutamine to a stop codon within coding exon 39. This alteration is expected to result in loss of function by premature protein truncation or nonsense-mediated mRNA decay. As such, this alteration is interpreted as a disease-causing mutation.

Literature cited by the submitters: PubMed 10712197 (cited by Labcorp Genetics (formerly Invitae), Labcorp); PubMed 23913538 (cited by Labcorp Genetics (formerly Invitae), Labcorp); PubMed 35240321 (cited by Labcorp Genetics (formerly Invitae), Labcorp).

NM_001042492.3(NF1):c.5977C>T (p.Gln1993Ter)

Gene: NF1 (neurofibromin 1; plus strand). Cytogenetic location: 17q11.2.
Variant type: single nucleotide variant.
Coding change: c.5977C>T on transcript NM_001042492.3 (MANE Select); coding-DNA position 5977, C replaced by T.
Protein change: p.Gln1993Ter; replaces glutamine 1993 with a stop codon.
Molecular consequence: nonsense.
Genome position (GRCh38, 1-based): chr17:31,335,002, C>T. VCF-style: chr17-31335002-C-T. GRCh37 (hg19) VCF-style: chr17-29662020-C-T.
Other names: c.5914C>T, p.Gln1972Ter (NM_000267.4); short protein forms Q1972*, Q1993*.
Identifiers: ClinVar variation 1750463 (VCV001750463.7), dbSNP rs2151550703, ClinGen allele CA399010917.